The following is an entry in ClinVar:

NM_024593.4(CLXN):c.292C>T (p.Arg98Ter)

Gene: CLXN (calaxin; minus strand). Cytogenetic location: 8q11.21.
Variant type: single nucleotide variant.
Coding change: c.292C>T on transcript NM_024593.4 (MANE Select); coding-DNA position 292, C replaced by T.
Protein change: p.Arg98Ter; replaces arginine 98 with a stop codon.
Molecular consequence: nonsense. On other transcripts: non-coding transcript variant (2).
Genome position (GRCh38, 1-based): chr8:48,730,567, G>A on the plus strand (C>T on the coding strand, the complement: CLXN is on the minus strand). VCF-style: chr8-48730567-G-A. GRCh37 (hg19) VCF-style: chr8-49643126-G-A.
Other names: CLXN, ARG98TER (rs751867551); c.136C>T, p.Arg46Ter (NM_001142857.2, NM_001363973.3, NM_001363974.2); short protein forms R98*, R46*.
Identifiers: ClinVar variation 2664148 (VCV002664148.2), dbSNP rs751867551, ClinGen allele CA4743315.
Genomic context (GRCh38, chr8:48,730,567, plus strand): 5'-TGTACGAACCAATAGGACAACCTGCAATCTTACATTTCATTTTTTCTTCCAAAGATCCTC[G>A]AAGAAACAGTGATAATCCATGAATCCACTCCAATACATTTACACAGCCATCATTATCTTT-3'

ClinVar aggregate classification (germline): Likely pathogenic. Review status: criteria provided, single submitter (1 of 4 stars). 2 submissions from 2 submitters: Likely pathogenic (1). 1 of the submissions does not count toward it. Last evaluated 2024-03-03.

Conditions:
Ciliary dyskinesia, primary, 53 (CILD53). Identifiers: MedGen C5882728, MONDO:0957991, OMIM 620642.

Allele frequency attached by ClinVar (database versions not stated): ExAC 0.00001; gnomAD 0.00001; gnomAD exomes 0.00001; TOPMed 0.00001.
gnomAD v4.1: 10 of 1,610,312 alleles (0.00062%); highest among the groups gnomAD compares: South Asian, 0.0011%; no homozygotes.

Submissions (2):

SIB Swiss Institute of Bioinformatics
Classification: Likely pathogenic for Ciliary dyskinesia, primary, 53. Last evaluated: 2024-03-03. Review status: criteria provided, single submitter. Criteria: ACMG Guidelines, 2015. Collection method: curation. Allele origin: unknown. Affected: yes.
Comment: This variant is interpreted for Ciliary dyskinesia, primary, 53, autosomal recessive. The following ACMG Tag(s) were applied: Absent from controls (or at extremely low frequency if recessive) in gnomAD (PM2). Protein length changes as a result of in-frame deletions/insertions in a nonrepeat region or stop-loss variants (PM4). Affects critical and well-established functional domain (PM1).

OMIM
Classification: Pathogenic for CILIARY DYSKINESIA, PRIMARY, 53. Last evaluated: 2023-12-01. Review status: no assertion criteria provided. Collection method: literature only. Allele origin: germline. Not counted in ClinVar's aggregate classification.

Literature cited by the submitters: PubMed 36727596 (cited by SIB Swiss Institute of Bioinformatics and OMIM).